The following is an entry in ClinVar:

NM_014003.4(DHX38):c.1044G>A (p.Val348=)

Gene: DHX38 (DEAH-box helicase 38; plus strand). Cytogenetic location: 16q22.2.
Variant type: single nucleotide variant.
Coding change: c.1044G>A on transcript NM_014003.4 (MANE Select); coding-DNA position 1044, G replaced by A.
Protein change: p.Val348=; no amino-acid change (valine 348 retained).
Molecular consequence: synonymous variant.
Genome position (GRCh38, 1-based): chr16:72,099,815, G>A. VCF-style: chr16-72099815-G-A. GRCh37 (hg19) VCF-style: chr16-72133714-G-A.
Other names: c.1044G>A (NM_014003.3).
Identifiers: ClinVar variation 1165420 (VCV001165420.12), dbSNP rs534306131, ClinGen allele CA8160191.

ClinVar aggregate classification (germline): Benign/Likely benign. Review status: criteria provided, multiple submitters, no conflicts (2 of 4 stars). 4 submissions from 4 submitters: Benign (1); Likely benign (3). Last evaluated 2025-11-19.

Conditions:
DHX38-related disorder. Also called: DHX38-related condition.
Retinal dystrophy. Also called: Inherited retinal dystrophy. Identifiers: Orphanet 71862, MedGen C0854723, MeSH D058499, MONDO:0019118, HP:0000556.

Allele frequency attached by ClinVar (database versions not stated): gnomAD 0.00012 and 0.00009; TOPMed 0.00014; 1000 Genomes Project 30x 0.00047; 1000 Genomes Project 0.00060; gnomAD exomes 0.00005.
gnomAD v4.1: 101 of 1,614,022 alleles (0.0063%); highest among the groups gnomAD compares: East Asian, 0.2%; no homozygotes.

Submissions (4):

Labcorp Genetics (formerly Invitae), Labcorp
Classification: Benign. Last evaluated: 2025-11-19. Review status: criteria provided, single submitter. Criteria: Invitae Variant Classification Sherloc (09022015). Collection method: clinical testing. Allele origin: germline.

PreventionGenetics, part of Exact Sciences
Classification: Likely benign for DHX38-related condition. Last evaluated: 2024-11-19. Review status: criteria provided, single submitter. Criteria: ACMG Guidelines, 2015. Collection method: clinical testing. Allele origin: germline.
Comment: This variant is classified as likely benign based on ACMG/AMP sequence variant interpretation guidelines (Richards et al. 2015 PMID: 25741868, with internal and published modifications).

Blueprint Genetics
Classification: Likely benign. Last evaluated: 2024-11-15. Review status: criteria provided, single submitter. Criteria: ACMG Guidelines, 2015. Collection method: clinical testing. Allele origin: germline.

Dept Of Ophthalmology, Nagoya University
Classification: Likely benign for Retinal dystrophy. Last evaluated: 2023-10-01. Review status: criteria provided, single submitter. Criteria: Submitter's publication. Collection method: research. Allele origin: germline. Affected: yes.